The following is an entry in ClinVar:

ClinVar aggregate classification (germline): Uncertain significance. Review status: criteria provided, multiple submitters, no conflicts (2 of 4 stars). 2 submissions from 2 submitters: Uncertain significance (2). Last evaluated 2025-05-02.

Conditions:
Inborn genetic diseases. Identifiers: MedGen C0950123, MeSH D030342.
PCNT-related disorder. Also called: PCNT-related condition.

gnomAD v4.1: 14 of 1,614,014 alleles (0.00087%); highest among the groups gnomAD compares: African/African-American, 0.004%; no homozygotes.

Submissions (2):

PreventionGenetics, part of Exact Sciences
Classification: Uncertain significance for PCNT-related condition. Last evaluated: 2025-05-02. Review status: criteria provided, single submitter. Criteria: ACMG Guidelines, 2015. Collection method: clinical testing. Allele origin: germline.
Comment: The PCNT c.8626G>C variant is predicted to result in the amino acid substitution p.Glu2876Gln. To our knowledge, this variant has not been reported in the literature. This variant is reported in 0.0040% of alleles in individuals of African descent in gnomAD. At this time, the clinical significance of this variant is uncertain due to the absence of conclusive functional and genetic evidence.

Ambry Genetics
Classification: Uncertain significance for Inborn genetic diseases. Last evaluated: 2025-03-19. Review status: criteria provided, single submitter. Criteria: Ambry Variant Classification Scheme 2023. Collection method: clinical testing. Allele origin: germline.

NM_006031.6(PCNT):c.8626G>C (p.Glu2876Gln)

Gene: PCNT (pericentrin; plus strand). Cytogenetic location: 21q22.3.
Variant type: single nucleotide variant.
Coding change: c.8626G>C on transcript NM_006031.6 (MANE Select); coding-DNA position 8626, G replaced by C.
Protein change: p.Glu2876Gln; replaces glutamic acid 2876 with glutamine.
Molecular consequence: missense variant. On other transcripts: intron variant (1).
Genome position (GRCh38, 1-based): chr21:46,432,090, G>C. VCF-style: chr21-46432090-G-C. GRCh37 (hg19) VCF-style: chr21-47852004-G-C.
Other names: c.8160+112G>C (NM_001315529.2); short protein forms E2876Q.
Identifiers: ClinVar variation 3929681 (VCV003929681.2).